The following is an entry in ClinVar:

NM_024577.4(SH3TC2):c.1654G>A (p.Glu552Lys)

Gene: SH3TC2 (SH3 domain and tetratricopeptide repeats 2; minus strand). Cytogenetic location: 5q32.
Variant type: single nucleotide variant.
Coding change: c.1654G>A on transcript NM_024577.4 (MANE Select); coding-DNA position 1654, G replaced by A.
Protein change: p.Glu552Lys; replaces glutamic acid 552 with lysine.
Molecular consequence: missense variant.
Genome position (GRCh38, 1-based): chr5:149,028,078, C>T on the plus strand (G>A on the coding strand, the complement: SH3TC2 is on the minus strand). VCF-style: chr5-149028078-C-T. GRCh37 (hg19) VCF-style: chr5-148407641-C-T.
Other names: short protein forms E552K.
Identifiers: ClinVar variation 575623 (VCV000575623.10), dbSNP rs551953142, ClinGen allele CA3499142.
Genomic context (GRCh38, chr5:149,028,078, plus strand): 5'-ACAGAGTGGCCACCAAGGATAGGTCCTCAAATGCTCCATTGAGAATGTGGATGGCCTCCT[C>T]GAAGTACACCCTGGCCTGAGAGAGTTTGACCTTCCTGATGCTCAGCCGGCCCAGGAGGAA-3'
Protein context (NP_078853.2, residues 542-562): VKLSQARVYF[Glu552Lys]EAIHILNGAF

ClinVar aggregate classification (germline): Uncertain significance. Review status: criteria provided, multiple submitters, no conflicts (2 of 4 stars). 3 submissions from 3 submitters: Uncertain significance (3). Last evaluated 2026-06-15.

Conditions:
SH3TC2-related disorder. Also called: SH3TC2-related condition; SH3TC2-related disorders. Identifiers: MedGen CN239303.
Inborn genetic diseases. Identifiers: MedGen C0950123, MeSH D030342.
Charcot-Marie-Tooth disease type 4. Also called: Charcot-Marie-Tooth disease, type IV; Charcot-Marie-Tooth, Type 4. Identifiers: Orphanet 64749, MedGen C4082197, MONDO:0018995.

Allele frequency attached by ClinVar (database versions not stated): gnomAD 0.00002 and 0.00003; TOPMed 0.00003; ExAC 0.00004; gnomAD exomes 0.00004.
gnomAD v4.1: 42 of 1,613,956 alleles (0.0026%); highest among the groups gnomAD compares: African/African-American, 0.0053%; no homozygotes.

Submissions (3):

PreventionGenetics, part of Exact Sciences
Classification: Uncertain significance for SH3TC2-related condition. Last evaluated: 2026-06-15. Review status: criteria provided, single submitter. Criteria: ACMG Guidelines, 2015. Collection method: clinical testing. Allele origin: germline.
Comment: The SH3TC2 c.1654G>A variant is predicted to result in the amino acid substitution p.Glu552Lys. To our knowledge, this variant has not been reported in the literature. This variant is reported in 0.012% of alleles in individuals of African descent in gnomAD. At this time, the clinical significance of this variant is uncertain due to the absence of conclusive functional and genetic evidence.

Ambry Genetics
Classification: Uncertain significance for Inborn genetic diseases. Last evaluated: 2025-08-26. Review status: criteria provided, single submitter. Criteria: Ambry Variant Classification Scheme 2023. Collection method: clinical testing. Allele origin: germline.

Labcorp Genetics (formerly Invitae), Labcorp
Classification: Uncertain significance for Charcot-Marie-Tooth disease type 4. Last evaluated: 2022-04-09. Review status: criteria provided, single submitter. Criteria: Invitae Variant Classification Sherloc (09022015). Collection method: clinical testing. Allele origin: germline.
Comment: This sequence change replaces glutamic acid, which is acidic and polar, with lysine, which is basic and polar, at codon 552 of the SH3TC2 protein (p.Glu552Lys). This variant is present in population databases (rs551953142, gnomAD 0.02%). This variant has not been reported in the literature in individuals affected with SH3TC2-related conditions. ClinVar contains an entry for this variant (Variation ID: 575623). Advanced modeling of protein sequence and biophysical properties (such as structural, functional, and spatial information, amino acid conservation, physicochemical variation, residue mobility, and thermodynamic stability) performed at Invitae indicates that this missense variant is expected to disrupt SH3TC2 protein function. In summary, the available evidence is currently insufficient to determine the role of this variant in disease. Therefore, it has been classified as a Variant of Uncertain Significance.